The following is an entry in ClinVar:

ClinVar aggregate classification (germline): Benign/Likely benign. Review status: criteria provided, multiple submitters, no conflicts (2 of 4 stars). 4 submissions from 4 submitters: Benign (1); Likely benign (2). 1 of the submissions does not count toward it. Last evaluated 2026-01-11.

Conditions:
NPHP3-related disorder. Also called: NPHP3-related disorders; NPHP3-related condition. Identifiers: MedGen CN379163.
Nephronophthisis. Also called: Juvenile Nephronophthisis. Identifiers: Orphanet 655, MedGen C0687120, MONDO:0019005, HP:0000090.
NPHP3-related Meckel-like syndrome. Also called: GOLDSTON SYNDROME; Meckel syndrome type 7. Identifiers: Orphanet 3032, MedGen C2673885, MONDO:0009966, OMIM 267010.
Renal-hepatic-pancreatic dysplasia 1 (RHPD1). Identifiers: MedGen C3715199, MONDO:0008833, OMIM 208540.
Nephronophthisis 3 (NPHP3). Also called: Adolescent nephronophthisis. Identifiers: Orphanet 655, MedGen C1858392, MONDO:0011456, OMIM 604387.

Allele frequency attached by ClinVar (database versions not stated): gnomAD below 0.00001 and 0.00004; gnomAD exomes 0.00013 and 0.00022; ExAC 0.00023.
gnomAD v4.1: 200 of 1,614,200 alleles (0.012%); highest among the groups gnomAD compares: South Asian, 0.21%; 3 homozygotes.

Submissions (4):

Labcorp Genetics (formerly Invitae), Labcorp
Classification: Likely benign for Nephronophthisis. Last evaluated: 2026-01-11. Review status: criteria provided, single submitter. Criteria: Invitae Variant Classification Sherloc (09022015). Collection method: clinical testing. Allele origin: germline.

Fulgent Genetics
Classification: Likely benign for Renal-hepatic-pancreatic dysplasia 1; NPHP3-related Meckel-like syndrome; Nephronophthisis 3. Last evaluated: 2024-06-04. Review status: criteria provided, single submitter. Criteria: ACMG Guidelines, 2015. Collection method: clinical testing. Allele origin: germline.

Blueprint Genetics
Classification: Benign. Last evaluated: 2024-03-25. Review status: criteria provided, single submitter. Criteria: ACMG Guidelines, 2015. Collection method: clinical testing. Allele origin: germline.

PreventionGenetics, part of Exact Sciences
Classification: Likely benign for NPHP3-related condition. Last evaluated: 2022-08-25. Review status: no assertion criteria provided. Collection method: clinical testing. Allele origin: germline. Not counted in ClinVar's aggregate classification.
Comment: This variant is classified as likely benign based on ACMG/AMP sequence variant interpretation guidelines (Richards et al. 2015 PMID: 25741868, with internal and published modifications).

NM_153240.5(NPHP3):c.1452A>G (p.Ile484Met)

Genes: NPHP3 (nephrocystin 3; minus strand), NPHP3-ACAD11 (NPHP3-ACAD11 readthrough (NMD candidate); minus strand). Cytogenetic location: 3q22.1.
Variant type: single nucleotide variant.
Coding change: c.1452A>G on transcript NM_153240.5 (MANE Select); coding-DNA position 1452, A replaced by G.
Protein change: p.Ile484Met; replaces isoleucine 484 with methionine.
Molecular consequence: missense variant. On other transcripts: non-coding transcript variant (1).
Genome position (GRCh38, 1-based): chr3:132,704,270, T>C on the plus strand (A>G on the coding strand, the complement: NPHP3 is on the minus strand). VCF-style: chr3-132704270-T-C. GRCh37 (hg19) VCF-style: chr3-132423114-T-C.
Other names: short protein forms I484M.
Identifiers: ClinVar variation 836678 (VCV000836678.15), dbSNP rs771804922, ClinGen allele CA2622300.